The following is an entry in ClinVar:

NM_024782.3(NHEJ1):c.191G>A (p.Arg64Gln)

Gene: NHEJ1 (non-homologous end joining factor 1; minus strand). Cytogenetic location: 2q35.
Variant type: single nucleotide variant.
Coding change: c.191G>A on transcript NM_024782.3 (MANE Select); coding-DNA position 191, G replaced by A.
Protein change: p.Arg64Gln; replaces arginine 64 with glutamine.
Molecular consequence: missense variant. On other transcripts: non-coding transcript variant (1).
Genome position (GRCh38, 1-based): chr2:219,157,671, C>T on the plus strand (G>A on the coding strand, the complement: NHEJ1 is on the minus strand). VCF-style: chr2-219157671-C-T. GRCh37 (hg19) VCF-style: chr2-220022393-C-T.
Other names: c.191G>A, p.Arg64Gln (NM_001377498.1, NM_001377499.1); short protein forms R64Q.
Identifiers: ClinVar variation 1911439 (VCV001911439.3), dbSNP rs758194433, ClinGen allele CA2117064.

ClinVar aggregate classification (germline): Uncertain significance (1 of 4 stars; one submission).

Conditions:
Cernunnos-XLF deficiency (IMD124). Also called: NHEJ1 SYNDROME; SCID, AUTOSOMAL RECESSIVE, T CELL-NEGATIVE, B CELL-NEGATIVE, NK CELL-POSITIVE, WITH MICROCEPHALY, GROWTH RETARDATION, AND SENSITIVITY TO IONIZING RADIATION; Severe combined immunodeficiency with sensitivity to ionizing radiation due to NHEJ1 deficiency; SCID, autosomal recessive, T cell-negative, B cell-negative, NK cell-positive, and sensitivity to ionizing radiation due to NHEJ1 deficiency; IMMUNODEFICIENCY 124, SEVERE COMBINED. Identifiers: Orphanet 169079, MedGen C1969799, MONDO:0012650, OMIM 611291.

Allele frequency attached by ClinVar (database versions not stated): gnomAD exomes below 0.00001; ExAC 0.00001.
gnomAD v4.1: 7 of 1,613,384 alleles (0.00043%); highest among the groups gnomAD compares: East Asian, 0.0045%; no homozygotes.

Submission:

Labcorp Genetics (formerly Invitae), Labcorp
Classification: Uncertain significance for Cernunnos-XLF deficiency. Last evaluated: 2024-01-02. Review status: criteria provided, single submitter. Criteria: Invitae Variant Classification Sherloc (09022015). Collection method: clinical testing. Allele origin: germline.
Comment: This sequence change replaces arginine, which is basic and polar, with glutamine, which is neutral and polar, at codon 64 of the NHEJ1 protein (p.Arg64Gln). This variant is present in population databases (rs758194433, gnomAD 0.02%). This variant has not been reported in the literature in individuals affected with NHEJ1-related conditions. ClinVar contains an entry for this variant (Variation ID: 1911439). Advanced modeling of protein sequence and biophysical properties (such as structural, functional, and spatial information, amino acid conservation, physicochemical variation, residue mobility, and thermodynamic stability) performed at Invitae indicates that this missense variant is expected to disrupt NHEJ1 protein function with a positive predictive value of 80%. In summary, the available evidence is currently insufficient to determine the role of this variant in disease. Therefore, it has been classified as a Variant of Uncertain Significance.